The following is an entry in ClinVar:

NM_001365951.3(KIF1B):c.4598G>A (p.Ser1533Asn)

Gene: KIF1B (kinesin family member 1B; plus strand). Cytogenetic location: 1p36.22.
Variant type: single nucleotide variant.
Coding change: c.4598G>A on transcript NM_001365951.3 (MANE Select); coding-DNA position 4598, G replaced by A.
Protein change: p.Ser1533Asn; replaces serine 1533 with asparagine.
Molecular consequence: missense variant.
Genome position (GRCh38, 1-based): chr1:10,365,494, G>A. VCF-style: chr1-10365494-G-A. GRCh37 (hg19) VCF-style: chr1-10425552-G-A.
Other names: c.4598G>A, p.Ser1533Asn (NM_001365952.1); c.4460G>A, p.Ser1487Asn (NM_015074.3); short protein forms S1487N, S1533N.
Identifiers: ClinVar variation 1740776 (VCV001740776.2), dbSNP rs2521914824, ClinGen allele CA338322010.

ClinVar aggregate classification (germline): Uncertain significance (1 of 4 stars; one submission).

Submission:

Ambry Genetics
Classification: Uncertain significance. Last evaluated: 2022-04-05. Review status: criteria provided, single submitter. Criteria: Ambry Variant Classification Scheme 2023. Collection method: clinical testing. Allele origin: germline.
Comment: The p.S1487N variant (also known as c.4460G>A), located in coding exon 40 of the KIF1B gene, results from a G to A substitution at nucleotide position 4460. The serine at codon 1487 is replaced by asparagine, an amino acid with highly similar properties. This amino acid position is conserved. In addition, this alteration is predicted to be tolerated by in silico analysis. Since supporting evidence is limited at this time, the clinical significance of this alteration remains unclear.